The following is an entry in ClinVar:

NM_000133.4(F9):c.513A>G (p.Glu171=)

Gene: F9 (coagulation factor IX; plus strand). Cytogenetic location: Xq27.1.
Variant type: single nucleotide variant.
Coding change: c.513A>G on transcript NM_000133.4 (MANE Select); coding-DNA position 513, A replaced by G.
Protein change: p.Glu171=; no amino-acid change (glutamic acid 171 retained).
Molecular consequence: synonymous variant.
Genome position (GRCh38, 1-based): chrX:139,548,484, A>G. VCF-style: chrX-139548484-A-G. GRCh37 (hg19) VCF-style: chrX-138630643-A-G.
Other names: c.399A>G, p.Glu133= (NM_001313913.2).
Identifiers: ClinVar variation 696489 (VCV000696489.10), dbSNP rs45473300, ClinGen allele CA10529801.
Genomic context (GRCh38, chrX:139,548,484, plus strand): 5'-CAAGGTGGTTTGCTCCTGTACTGAGGGATATCGACTTGCAGAAAACCAGAAGTCCTGTGA[A>G]CCAGCAGGTCATAATCTGAATAAGATTTTTTAAAGAAAATCTGTATCTGAAACTTCAGCA-3'
Protein context (NP_000124.1, residues 161-181): YRLAENQKSC[Glu171=]PAVPFPCGRV

ClinVar aggregate classification (germline): Conflicting classifications of pathogenicity. Review status: criteria provided, conflicting classifications (1 of 4 stars). 2 submissions from 2 submitters: Uncertain significance (1); Benign (1). Last evaluated 2025-02-18.

Conditions:
Hereditary factor IX deficiency disease (HEMB). Also called: F9 DEFICIENCY; FACTOR IX DEFICIENCY; Hemophilia B; Christmas Disease; PLASMA THROMBOPLASTIN COMPONENT DEFICIENCY. Identifiers: Orphanet 98879, MedGen C0008533, MeSH D002836, MONDO:0010604, OMIM 306900.
Thrombophilia, X-linked, due to factor 9 defect. Identifiers: MedGen C2749016, MONDO:0010432, OMIM 300807.
F9-related disorder. Also called: F9-related condition.

Allele frequency attached by ClinVar (database versions not stated): gnomAD exomes 0.00002 and 0.00007; ExAC 0.00003; gnomAD 0.00004 and 0.00005; TOPMed 0.00005; 1000 Genomes Project 0.00026; 1000 Genomes Project 30x 0.00042.
gnomAD v4.1: 85 of 1,208,377 alleles (0.007%); highest among the groups gnomAD compares: Non-Finnish European, 0.0088%; no homozygotes.

Submissions (2):

PreventionGenetics, part of Exact Sciences
Classification: Uncertain significance for F9-related condition. Last evaluated: 2025-02-18. Review status: criteria provided, single submitter. Criteria: ACMG Guidelines, 2015. Collection method: clinical testing. Allele origin: germline.
Comment: The F9 c.513A>G variant is not predicted to result in an amino acid change (p.=). This variant is predicted to alter splicing based on available splicing prediction programs (SpliceAI, Jaganathan et al. 2019. PubMed ID: 30661751). To our knowledge, this variant has not been reported in the literature. This variant is reported in 0.0054% of alleles in individuals of European (Non-Finnish) descent in gnomAD. At this time, the clinical significance of this variant is uncertain due to the absence of conclusive functional and genetic evidence.

Labcorp Genetics (formerly Invitae), Labcorp
Classification: Benign for Thrombophilia, X-linked, due to factor 9 defect; Hereditary factor IX deficiency disease. Last evaluated: 2024-08-07. Review status: criteria provided, single submitter. Criteria: Invitae Variant Classification Sherloc (09022015). Collection method: clinical testing. Allele origin: germline.